The following is an entry in ClinVar:

ClinVar aggregate classification (germline): Uncertain significance (1 of 4 stars; one submission).

Conditions:
PCSK1-related disorder. Also called: PCSK1-related condition.

gnomAD v4.1: 1 of 1,614,032 alleles (0.000062%); highest among the groups gnomAD compares: Admixed American, 0.0017%; no homozygotes.

Submission:

PreventionGenetics, part of Exact Sciences
Classification: Uncertain significance for PCSK1-related condition. Last evaluated: 2026-03-23. Review status: criteria provided, single submitter. Criteria: ACMG Guidelines, 2015. Collection method: clinical testing. Allele origin: germline.
Comment: The PCSK1 c.400G>T variant is predicted to result in the amino acid substitution p.Asp134Tyr. To our knowledge, this variant has not been reported in the literature or in a large population database (gnomAD), indicating this variant is rare. At this time, the clinical significance of this variant is uncertain due to the absence of conclusive functional and genetic evidence.

NM_000439.5(PCSK1):c.400G>T (p.Asp134Tyr)

Genes: CAST (calpastatin; plus strand), PCSK1 (proprotein convertase subtilisin/kexin type 1; minus strand), LOC101929710 (uncharacterized LOC101929710; plus strand). Cytogenetic location: 5q15.
Variant type: single nucleotide variant.
Coding change: c.400G>T on transcript NM_000439.5 (MANE Select); coding-DNA position 400, G replaced by T.
Protein change: p.Asp134Tyr; replaces aspartic acid 134 with tyrosine.
Molecular consequence: missense variant. On other transcripts: intron variant (11).
Genome position (GRCh38, 1-based): chr5:96,423,456, C>A on the plus strand (G>T on the coding strand, the complement: PCSK1 is on the minus strand). VCF-style: chr5-96423456-C-A. GRCh37 (hg19) VCF-style: chr5-95759160-C-A.
Other names: c.259G>T, p.Asp87Tyr (NM_001177875.2); c.-175+43804C>A (NM_001423254.1, NM_001423259.1, NM_001423255.1 and 6 more transcripts); c.-103+43804C>A (NM_001423253.1); c.-40+43804C>A (NM_001423258.1); short protein forms D134Y, D87Y.
Identifiers: ClinVar variation 4992201 (VCV004992201.1).